The following is an entry in ClinVar:

ClinVar aggregate classification (germline): Benign (1 of 4 stars; one submission).

Conditions:
Lynch syndrome 5 (LYNCH5). Also called: Colorectal cancer, hereditary nonpolyposis, type 5; Hereditary non-polyposis colorectal cancer, type 5. Identifiers: Orphanet 144, MedGen C1833477, MONDO:0013710, OMIM 614350. Disease mechanism: loss of function.

Submission:

Myriad Genetics, Inc.
Classification: Benign for Lynch syndrome 5. Last evaluated: 2025-01-06. Review status: criteria provided, single submitter. Criteria: Myriad Autosomal Dominant, Autosomal Recessive and X-Linked Classification Criteria (2023). Collection method: clinical testing. Allele origin: unknown.
Comment: This variant is considered benign. This variant is a silent/synonymous amino acid change and it is not expected to impact splicing.

NM_000179.3(MSH6):c.3315A>T (p.Gly1105=)

Gene: MSH6 (mutS homolog 6; plus strand). Cytogenetic location: 2p16.3.
Variant type: single nucleotide variant.
Coding change: c.3315A>T on transcript NM_000179.3 (MANE Select); coding-DNA position 3315, A replaced by T.
Protein change: p.Gly1105=; no amino-acid change (glycine 1105 retained).
Molecular consequence: synonymous variant. On other transcripts: non-coding transcript variant (5), intron variant (1).
Genome position (GRCh38, 1-based): chr2:47,803,562, A>T. VCF-style: chr2-47803562-A-T. GRCh37 (hg19) VCF-style: chr2-48030701-A-T.
Other names: c.2925A>T, p.Gly975= (NM_001281492.2); c.2409A>T, p.Gly803= (NM_001281493.2, NM_001281494.2, NM_001406811.1 and 6 more transcripts); c.3411A>T, p.Gly1137= (NM_001406795.1, NM_001406802.1); c.3315A>T, p.Gly1105= (NM_001406796.1, NM_001406800.1, NM_001406808.1 and 1 more transcripts); c.3018A>T, p.Gly1006= (NM_001406797.1, NM_001406801.1, NM_001406805.1 and 10 more transcripts); c.2790A>T, p.Gly930= (NM_001406799.1, NM_001406806.1, NM_001406807.1); c.2451A>T, p.Gly817= (NM_001406803.1); c.3237A>T, p.Gly1079= (NM_001406804.1); and 7 more.
Identifiers: ClinVar variation 3903932 (VCV003903932.1).